The following is an entry in ClinVar:

ClinVar aggregate classification (germline): Conflicting classifications of pathogenicity. Review status: criteria provided, conflicting classifications (1 of 4 stars). 3 submissions from 3 submitters: Likely pathogenic (1); Uncertain significance (2). Last evaluated 2025-08-01.

Conditions:
Cardiovascular phenotype. Identifiers: MedGen CN230736.
Dilated cardiomyopathy 1O (CMD1O). Also called: CARDIOMYOPATHY, DILATED, WITH VENTRICULAR TACHYCARDIA. Identifiers: Orphanet 154, MedGen C1837839, MONDO:0012062, OMIM 608569.

Allele frequency attached by ClinVar (database versions not stated): gnomAD 0.00001; TOPMed 0.00001; ExAC 0.00001; ESP Exome Variant Server 0.00008.
gnomAD v4.1: 11 of 1,613,442 alleles (0.00068%); highest among the groups gnomAD compares: African/African-American, 0.004%; no homozygotes.

Submissions (3):

Labcorp Genetics (formerly Invitae), Labcorp
Classification: Uncertain significance for Dilated cardiomyopathy 1O. Last evaluated: 2025-08-01. Review status: criteria provided, single submitter. Criteria: Invitae Variant Classification Sherloc (09022015). Collection method: clinical testing. Allele origin: germline.
Comment: This sequence change replaces arginine, which is basic and polar, with tryptophan, which is neutral and slightly polar, at codon 939 of the ABCC9 protein (p.Arg939Trp). This variant is present in population databases (rs373890183, gnomAD 0.007%). This variant has not been reported in the literature in individuals affected with ABCC9-related conditions. ClinVar contains an entry for this variant (Variation ID: 191033). Invitae Evidence Modeling of protein sequence and biophysical properties (such as structural, functional, and spatial information, amino acid conservation, physicochemical variation, residue mobility, and thermodynamic stability) indicates that this missense variant is expected to disrupt ABCC9 protein function with a positive predictive value of 95%. In summary, the available evidence is currently insufficient to determine the role of this variant in disease. Therefore, it has been classified as a Variant of Uncertain Significance.

Ambry Genetics
Classification: Uncertain significance for Cardiovascular phenotype. Last evaluated: 2024-08-28. Review status: criteria provided, single submitter. Criteria: Ambry Variant Classification Scheme 2023. Collection method: clinical testing. Allele origin: germline.
Comment: The p.R939W variant (also known as c.2815C>T), located in coding exon 23 of the ABCC9 gene, results from a C to T substitution at nucleotide position 2815. The arginine at codon 939 is replaced by tryptophan, an amino acid with dissimilar properties. This amino acid position is highly conserved in available vertebrate species. In addition, this alteration is predicted to be deleterious by in silico analysis. Based on the available evidence, the clinical significance of this variant remains unclear.

Genomic Medicine Center of Excellence, King Faisal Specialist Hospital and Research Centre
Classification: Likely pathogenic. Review status: criteria provided, single submitter. Criteria: ACMG Guidelines, 2015. Collection method: research. Allele origin: germline. Affected: yes.

NM_020297.4(ABCC9):c.2815C>T (p.Arg939Trp)

Gene: ABCC9 (ATP binding cassette subfamily C member 9; minus strand). Cytogenetic location: 12p12.1.
Variant type: single nucleotide variant.
Coding change: c.2815C>T on transcript NM_020297.4 (MANE Select); coding-DNA position 2815, C replaced by T.
Protein change: p.Arg939Trp; replaces arginine 939 with tryptophan.
Molecular consequence: missense variant.
Genome position (GRCh38, 1-based): chr12:21,848,201, G>A on the plus strand (C>T on the coding strand, the complement: ABCC9 is on the minus strand). VCF-style: chr12-21848201-G-A. GRCh37 (hg19) VCF-style: chr12-22001135-G-A.
Other names: c.2815C>T (NM_005691.2); c.2815C>T, p.Arg939Trp (NM_001377273.1, NM_005691.4); c.1948C>T, p.Arg650Trp (NM_001377274.1); short protein forms R939W, R650W.
Identifiers: ClinVar variation 191033 (VCV000191033.5), dbSNP rs373890183, ClinGen allele CA235870.